The following is an entry in ClinVar:

NM_014243.3(ADAMTS3):c.1119C>T (p.Thr373=)

Gene: ADAMTS3 (ADAM metallopeptidase with thrombospondin type 1 motif 3; minus strand). Cytogenetic location: 4q13.3.
Variant type: single nucleotide variant.
Coding change: c.1119C>T on transcript NM_014243.3 (MANE Select); coding-DNA position 1119, C replaced by T.
Protein change: p.Thr373=; no amino-acid change (threonine 373 retained).
Molecular consequence: synonymous variant.
Genome position (GRCh38, 1-based): chr4:72,319,947, G>A on the plus strand (C>T on the coding strand, the complement: ADAMTS3 is on the minus strand). VCF-style: chr4-72319947-G-A. GRCh37 (hg19) VCF-style: chr4-73185664-G-A.
Identifiers: ClinVar variation 3234218 (VCV003234218.20), dbSNP rs778064580, ClinGen allele CA2957046.
Genomic context (GRCh38, chr4:72,319,947, plus strand): 5'-AGCAGATGAAAAACCATCCTCATGATTCAGGGTACAACTTCTCACTGGATGACACATGCC[G>A]GTGACTGGAGCATATCCTGTAGAGAATAACAATTACTTTTATTTTCATTTTATGAGAAAA-3'
Protein context (NP_055058.2, residues 363-383): PAGMQGYAPV[Thr373=]GMCHPVRSCT

ClinVar aggregate classification (germline): Likely benign (1 of 4 stars; one submission).

Allele frequency attached by ClinVar (database versions not stated): gnomAD exomes 0.00001; ExAC 0.00002; gnomAD 0.00002; TOPMed 0.00005.
gnomAD v4.1: 13 of 1,612,030 alleles (0.00081%); highest among the groups gnomAD compares: African/African-American, 0.0053%; no homozygotes.

Submission:

CeGaT Center for Human Genetics Tuebingen
Classification: Likely benign. Last evaluated: 2024-04-01. Review status: criteria provided, single submitter. Criteria: CeGaT Center For Human Genetics Tuebingen Variant Classification Criteria Version 2. Collection method: clinical testing. Allele origin: germline. Affected: yes. Observed: 1 variant allele.
Comment: ADAMTS3: BP4, BP7